The following is an entry in ClinVar:

NM_001613.4(ACTA2):c.284A>G (p.Glu95Gly)

Gene: ACTA2 (actin alpha 2, smooth muscle; minus strand). Cytogenetic location: 10q23.31.
Variant type: single nucleotide variant.
Coding change: c.284A>G on transcript NM_001613.4 (MANE Select); coding-DNA position 284, A replaced by G.
Protein change: p.Glu95Gly; replaces glutamic acid 95 with glycine.
Molecular consequence: missense variant.
Genome position (GRCh38, 1-based): chr10:88,943,882, T>C on the plus strand (A>G on the coding strand, the complement: ACTA2 is on the minus strand). VCF-style: chr10-88943882-T-C. GRCh37 (hg19) VCF-style: chr10-90703639-T-C.
Other names: c.284A>G, p.Glu95Gly (NM_001141945.3, NM_001320855.2, NM_001406462.1 and 3 more transcripts); c.155A>G, p.Glu52Gly (NM_001406467.1, NM_001406468.1, NM_001406469.1); short protein forms E95G, E52G.
Identifiers: ClinVar variation 1996537 (VCV001996537.4), dbSNP rs2494555199, ClinGen allele CA377512956.

ClinVar aggregate classification (germline): Uncertain significance (1 of 4 stars; one submission).

Conditions:
Aortic aneurysm, familial thoracic 6 (AAT6). Also called: FAMILIAL THORACIC AORTIC ANEURYSM WITH LIVEDO RETICULARIS AND IRIS FLOCCULI. Identifiers: MedGen C2673186, MONDO:0012730, OMIM 611788.

Submission:

Labcorp Genetics (formerly Invitae), Labcorp
Classification: Uncertain significance for Aortic aneurysm, familial thoracic 6. Last evaluated: 2022-05-19. Review status: criteria provided, single submitter. Criteria: Invitae Variant Classification Sherloc (09022015). Collection method: clinical testing. Allele origin: germline.
Comment: This sequence change replaces glutamic acid, which is acidic and polar, with glycine, which is neutral and non-polar, at codon 95 of the ACTA2 protein (p.Glu95Gly). This variant is not present in population databases (gnomAD no frequency). This variant has not been reported in the literature in individuals affected with ACTA2-related conditions. Advanced modeling of protein sequence and biophysical properties (such as structural, functional, and spatial information, amino acid conservation, physicochemical variation, residue mobility, and thermodynamic stability) performed at Invitae indicates that this missense variant is expected to disrupt ACTA2 protein function. In summary, the available evidence is currently insufficient to determine the role of this variant in disease. Therefore, it has been classified as a Variant of Uncertain Significance.